The following is an entry in ClinVar:

NM_002775.5(HTRA1):c.590G>A (p.Arg197Gln)

Gene: HTRA1 (HtrA serine peptidase 1; plus strand). Cytogenetic location: 10q26.13.
Variant type: single nucleotide variant.
Coding change: c.590G>A on transcript NM_002775.5 (MANE Select); coding-DNA position 590, G replaced by A.
Protein change: p.Arg197Gln; replaces arginine 197 with glutamine.
Molecular consequence: missense variant.
Genome position (GRCh38, 1-based): chr10:122,489,439, G>A. VCF-style: chr10-122489439-G-A. GRCh37 (hg19) VCF-style: chr10-124248955-G-A.
Other names: short protein forms R197Q.
Identifiers: ClinVar variation 1333590 (VCV001333590.2), dbSNP rs1180835237, ClinGen allele CA378580788.

ClinVar aggregate classification (germline): Uncertain significance. Review status: criteria provided, multiple submitters, no conflicts (2 of 4 stars). 2 submissions from 2 submitters: Uncertain significance (2). Last evaluated 2023-05-20.

Conditions:
Cerebral arteriopathy, autosomal dominant, with subcortical infarcts and leukoencephalopathy, type 2 (CADASIL2). Identifiers: MedGen C4225211, MONDO:0014768, OMIM 616779.

Allele frequency attached by ClinVar (database versions not stated): gnomAD exomes below 0.00001 and 0.00001.

Submissions (2):

Neuberg Centre For Genomic Medicine, NCGM
Classification: Uncertain significance for Cerebral arteriopathy, autosomal dominant, with subcortical infarcts and leukoencephalopathy, type 2. Last evaluated: 2023-05-20. Review status: criteria provided, single submitter. Criteria: ACMG Guidelines, 2015. Collection method: clinical testing. Allele origin: germline. Inheritance: Autosomal dominant inheritance. Affected: yes.
Comment: The observed missense variant c.590G>A(p.Arg197Gln) in the HTRA1 gene has not been reported previously as a pathogenic variant nor as a benign variant, to our knowledge. This variant is reported with the allele frequency 0.001% in the gnomAD Exomes. This variant has been reported to the ClinVar database as Uncertain Significance by multiple submitters. However, no details are available for independent assessment. The amino acid Arginine at position 197 is changed to a Glutamine changing protein sequence and it might alter its composition and physico- chemical properties. Multiple lines of computational evidence (Polyphen - Probably damaging and MutationTaster - Disease causing) predict a damaging effect on protein structure and function for this variant. The residue is conserved by GERP++ and PhyloP across 100 vertebrates. For these reasons, this variant has been classified as Uncertain Significance.

3billion
Classification: Uncertain significance for Cerebral arteriopathy, autosomal dominant, with subcortical infarcts and leukoencephalopathy, type 2. Last evaluated: 2022-01-03. Review status: criteria provided, single submitter. Criteria: ACMG Guidelines, 2015. Collection method: clinical testing. Allele origin: germline. Affected: yes. Observed: 1 heterozygote.
Comment: The variant is observed at an extremely low frequency in the gnomAD v2.1.1 dataset (total allele frequency: 0.000008, PM2_M). In silico tool predictions suggest damaging effect of the variant on gene or gene product (REVEL: 0.647, PP3_P). A missense variant is a common mechanism associated with Cerebral arteriopathy (PP2_P). Therefore, this variant is classified as uncertain significance according to the recommendation of ACMG/AMP guideline.